The following is an entry in ClinVar:

ClinVar aggregate classification (germline): Uncertain significance. Review status: criteria provided, multiple submitters, no conflicts (2 of 4 stars). 2 submissions from 2 submitters: Uncertain significance (2). Last evaluated 2026-04-24.

Conditions:
COL9A1-related disorder. Also called: COL9A1-related disorders; COL9A1-related condition.

Allele frequency attached by ClinVar (database versions not stated): gnomAD exomes below 0.00001; ExAC 0.00002; gnomAD 0.00002; TOPMed 0.00002; ESP Exome Variant Server 0.00008.
gnomAD v4.1: 5 of 1,609,754 alleles (0.00031%); highest among the groups gnomAD compares: Non-Finnish European, 0.00042%; no homozygotes.

Submissions (2):

PreventionGenetics, part of Exact Sciences
Classification: Uncertain significance for COL9A1-related condition. Last evaluated: 2026-04-24. Review status: criteria provided, single submitter. Criteria: ACMG Guidelines, 2015. Collection method: clinical testing. Allele origin: germline.
Comment: The COL9A1 c.780G>T variant is not predicted to result in an amino acid change (p.=). This variant resides in the last nucleotide of exon 6 and is predicted to impact splicing at the nearby splice donor site (SpliceAI, Jaganathan et al. 2019. PubMed ID: 30661751). However, the use of computer prediction programs is not equivalent to functional evidence. To our knowledge, this variant has not been reported in the literature. This variant is reported in 0.00090% of alleles in individuals of European (Non-Finnish) descent in gnomAD. At this time, the clinical significance of this variant is uncertain due to the absence of conclusive functional and genetic evidence.

Labcorp Genetics (formerly Invitae), Labcorp
Classification: Uncertain significance. Last evaluated: 2022-08-23. Review status: criteria provided, single submitter. Criteria: Invitae Variant Classification Sherloc (09022015). Collection method: clinical testing. Allele origin: germline.
Comment: This sequence change affects codon 260 of the COL9A1 mRNA. It is a 'silent' change, meaning that it does not change the encoded amino acid sequence of the COL9A1 protein. This variant also falls at the last nucleotide of exon 6, which is part of the consensus splice site for this exon. The frequency data for this variant in the population databases is considered unreliable, as metrics indicate poor data quality at this position in the gnomAD database. This variant has not been reported in the literature in individuals affected with COL9A1-related conditions. ClinVar contains an entry for this variant (Variation ID: 1026880). Variants that disrupt the consensus splice site are a relatively common cause of aberrant splicing (PMID: 17576681, 9536098). Algorithms developed to predict the effect of sequence changes on RNA splicing suggest that this variant is not likely to affect RNA splicing. In summary, the available evidence is currently insufficient to determine the role of this variant in disease. Therefore, it has been classified as a Variant of Uncertain Significance.

Literature cited by the submitters: PubMed 17576681 (cited by Labcorp Genetics (formerly Invitae), Labcorp); PubMed 9536098 (cited by Labcorp Genetics (formerly Invitae), Labcorp).

NM_001851.6(COL9A1):c.780G>T (p.Thr260=)

Gene: COL9A1 (collagen type IX alpha 1 chain; minus strand). Cytogenetic location: 6q13.
Variant type: single nucleotide variant.
Coding change: c.780G>T on transcript NM_001851.6 (MANE Select); coding-DNA position 780, G replaced by T.
Protein change: p.Thr260=; no amino-acid change (threonine 260 retained).
Molecular consequence: synonymous variant.
Genome position (GRCh38, 1-based): chr6:70,283,737, C>A on the plus strand (G>T on the coding strand, the complement: COL9A1 is on the minus strand). VCF-style: chr6-70283737-C-A. GRCh37 (hg19) VCF-style: chr6-70993440-C-A.
Other names: c.780G>T, p.Thr260= (NM_001377291.1); c.780G>T (NM_001851.4).
Identifiers: ClinVar variation 1026880 (VCV001026880.6), dbSNP rs374569401, ClinGen allele CA3882723.